The following is an entry in ClinVar:

NM_181523.3(PIK3R1):c.1796G>A (p.Gly599Asp)

Gene: PIK3R1 (phosphoinositide-3-kinase regulatory subunit 1; plus strand). Cytogenetic location: 5q13.1.
Variant type: single nucleotide variant.
Coding change: c.1796G>A on transcript NM_181523.3 (MANE Select); coding-DNA position 1796, G replaced by A.
Protein change: p.Gly599Asp; replaces glycine 599 with aspartic acid.
Molecular consequence: missense variant.
Genome position (GRCh38, 1-based): chr5:68,295,470, G>A. VCF-style: chr5-68295470-G-A. GRCh37 (hg19) VCF-style: chr5-67591298-G-A.
Other names: c.707G>A, p.Gly236Asp (NM_001242466.2); c.986G>A, p.Gly329Asp (NM_181504.4); c.896G>A, p.Gly299Asp (NM_181524.2); short protein forms G329D, G236D, G299D, G599D.
Identifiers: ClinVar variation 2935158 (VCV002935158.3), dbSNP rs777075311, ClinGen allele CA3290488.
Genomic context (GRCh38, chr5:68,295,470, plus strand): 5'-TGTTTTTCAGGTGGTTGACTCAAAAAGGTGTTCGGCAAAAGAAGTTGAACGAGTGGTTGG[G>A]CAATGAAAACACTGAAGAGTAAGTAGTTACTAAAGATGGTGATAGCAGAAGATTTTTCTC-3'
Protein context (NP_852664.1, residues 589-609): VRQKKLNEWL[Gly599Asp]NENTEDQYSL

ClinVar aggregate classification (germline): Uncertain significance (1 of 4 stars; one submission).

Conditions:
SHORT syndrome. Also called: LIPODYSTROPHY, PARTIAL, WITH RIEGER ANOMALY AND SHORT STATURE; PIK3R1-Related SHORT Syndrome; SHORT STATURE, HYPEREXTENSIBILITY, HERNIA, OCULAR DEPRESSION, RIEGER ANOMALY, AND TEETHING DELAY. Identifiers: Orphanet 3163, MedGen C0878684, MONDO:0010026, OMIM 269880.
Agammaglobulinemia 7, autosomal recessive (AGM7). Also called: AGAMMAGLOBULINEMIA, AUTOSOMAL RECESSIVE, DUE TO PIK3R1 DEFECT. Identifiers: MedGen C3554689, MONDO:0014083, OMIM 615214.
Immunodeficiency 36 with lymphoproliferation. Also called: Immunodeficiency 36; ACTIVATED PI3K-DELTA SYNDROME 2; Activated PI3K Delta Syndrome Type 2 (APDS2). Identifiers: Orphanet 397596, Orphanet 693681, MedGen C4014934, MONDO:0014453, OMIM 616005.

Allele frequency attached by ClinVar (database versions not stated): gnomAD exomes below 0.00001; ExAC 0.00001; TOPMed 0.00001.
gnomAD v4.1: 2 of 1,614,084 alleles (0.00012%); highest among the groups gnomAD compares: Admixed American, 0.0033%; no homozygotes.

Submission:

Labcorp Genetics (formerly Invitae), Labcorp
Classification: Uncertain significance for SHORT syndrome; Immunodeficiency 36 with lymphoproliferation; Agammaglobulinemia 7, autosomal recessive. Last evaluated: 2023-08-06. Review status: criteria provided, single submitter. Criteria: Invitae Variant Classification Sherloc (09022015). Collection method: clinical testing. Allele origin: germline.
Comment: In summary, the available evidence is currently insufficient to determine the role of this variant in disease. Therefore, it has been classified as a Variant of Uncertain Significance. Advanced modeling of protein sequence and biophysical properties (such as structural, functional, and spatial information, amino acid conservation, physicochemical variation, residue mobility, and thermodynamic stability) performed at Invitae indicates that this missense variant is not expected to disrupt PIK3R1 protein function. This variant has not been reported in the literature in individuals affected with PIK3R1-related conditions. This variant is present in population databases (rs777075311, gnomAD 0.006%). This sequence change replaces glycine, which is neutral and non-polar, with aspartic acid, which is acidic and polar, at codon 599 of the PIK3R1 protein (p.Gly599Asp).